The following is an entry in ClinVar:

NM_017775.4(TTC19):c.424-3C>G

Gene: TTC19 (tetratricopeptide repeat domain 19; plus strand). Cytogenetic location: 17p12.
Variant type: single nucleotide variant.
Coding change: c.424-3C>G on transcript NM_017775.4 (MANE Select); 3 bases into the intron before coding-DNA position 424, C replaced by G.
Molecular consequence: intron variant.
Genome position (GRCh38, 1-based): chr17:16,002,790, C>G. VCF-style: chr17-16002790-C-G. GRCh37 (hg19) VCF-style: chr17-15906104-C-G.
Other names: c.103-3C>G (NM_001271420.2).
Identifiers: ClinVar variation 982299 (VCV000982299.1), dbSNP rs1283394462, ClinGen allele CA498038820.

ClinVar aggregate classification (germline): Uncertain significance (1 of 4 stars; one submission).

Conditions:
Mitochondrial complex III deficiency nuclear type 2. Identifiers: MedGen C3554605, MONDO:0014063, OMIM 615157.

Allele frequency attached by ClinVar (database versions not stated): TOPMed 0.00002.

Submission:

HudsonAlpha Institute for Biotechnology
Classification: Uncertain significance for Mitochondrial complex III deficiency nuclear type 2. Last evaluated: 2020-05-13. Review status: criteria provided, single submitter. Criteria: ACMG Guidelines, 2015. Collection method: research. Allele origin: maternal. Affected: yes. Observed: 1 compound heterozygote. Study: CSER-HudsonAlpha.
Comment: ACMG codes:PM2, PM3, PP4